The following is an entry in ClinVar:

ClinVar aggregate classification (germline): Pathogenic. Review status: criteria provided, single submitter (1 of 4 stars). 4 submissions from 3 submitters: Pathogenic (1). 3 of the submissions do not count toward it. Last evaluated 2024-10-24.

Conditions:
Porphyria cutanea tarda. Identifiers: Orphanet 101330, MedGen C0162566, MONDO:0015104.
Familial porphyria cutanea tarda (PCT). Also called: PCT, ''FAMILIAL'' TYPE; PCT, TYPE II; PORPHYRIA CUTANEA TARDA, TYPE II; PORPHYRIA, HEPATOCUTANEOUS TYPE; UROD DEFICIENCY; UROPORPHYRINOGEN DECARBOXYLASE DEFICIENCY. Identifiers: Orphanet 101330, Orphanet 443062, MedGen C0268323, MONDO:0008296, OMIM 176100.
Hepatoerythropoietic porphyria (HEP). Identifiers: Orphanet 95159, MedGen C0162569, MONDO:0019799.

gnomAD v4.1: 7 of 1,614,116 alleles (0.00043%); highest among the groups gnomAD compares: Admixed American, 0.0083%; no homozygotes.

Submissions (4):

Labcorp Genetics (formerly Invitae), Labcorp
Classification: Pathogenic. Last evaluated: 2024-10-24. Review status: criteria provided, single submitter. Criteria: Invitae Variant Classification Sherloc (09022015). Collection method: clinical testing. Allele origin: germline.
Comment: This sequence change replaces glycine, which is neutral and non-polar, with glutamic acid, which is acidic and polar, at codon 281 of the UROD protein (p.Gly281Glu). This variant is present in population databases (rs121918057, gnomAD 0.009%). This missense change has been observed in individual(s) with autosomal dominant porphyria cutanea tarda and/or autosomal recessive hepatoerythropoietic porphyria (PMID: 3775362, 8644733, 15186324, 23545314). ClinVar contains an entry for this variant (Variation ID: 66). Invitae Evidence Modeling of protein sequence and biophysical properties (such as structural, functional, and spatial information, amino acid conservation, physicochemical variation, residue mobility, and thermodynamic stability) has been performed for this missense variant. However, the output from this modeling did not meet the statistical confidence thresholds required to predict the impact of this variant on UROD protein function. Experimental studies have shown that this missense change affects UROD function (PMID: 3775362, 23545314). This variant disrupts the p.Gly281 amino acid residue in UROD. Other variant(s) that disrupt this residue have been determined to be pathogenic (PMID: 2920211, 11069625; internal data). This suggests that this residue is clinically significant, and that variants that disrupt this residue are likely to be disease-causing. For these reasons, this variant has been classified as Pathogenic.

OMIM
Classification: Pathogenic for PORPHYRIA, HEPATOERYTHROPOIETIC. Last evaluated: 1996-04-01. Review status: no assertion criteria provided. Collection method: literature only. Allele origin: germline. Not counted in ClinVar's aggregate classification.

OMIM
Classification: Pathogenic for PORPHYRIA CUTANEA TARDA. Last evaluated: 1996-04-01. Review status: no assertion criteria provided. Collection method: literature only. Allele origin: germline. Not counted in ClinVar's aggregate classification.

GeneReviews
No classification provided. Condition: Familial porphyria cutanea tarda. Review status: no classification provided. Collection method: literature only. Allele origin: germline. Affected: yes. Not counted in ClinVar's aggregate classification.

Literature cited by the submitters: PubMed 3775362 (cited by Labcorp Genetics (formerly Invitae), Labcorp and OMIM); PubMed 8644733 (cited by Labcorp Genetics (formerly Invitae), Labcorp and OMIM); PubMed 15186324 (cited by Labcorp Genetics (formerly Invitae), Labcorp); PubMed 23545314 (cited by Labcorp Genetics (formerly Invitae), Labcorp and GeneReviews); PubMed 2920211 (cited by Labcorp Genetics (formerly Invitae), Labcorp and OMIM); PubMed 11069625 (cited by Labcorp Genetics (formerly Invitae), Labcorp); PubMed 2892774 (cited by OMIM); PubMed 7706766 (cited by OMIM); NCBI Bookshelf NBK143129 (cited by GeneReviews).

NM_000374.5(UROD):c.842G>A (p.Gly281Glu)

Gene: UROD (uroporphyrinogen decarboxylase; plus strand). Cytogenetic location: 1p34.1.
Variant type: single nucleotide variant.
Coding change: c.842G>A on transcript NM_000374.5 (MANE Select); coding-DNA position 842, G replaced by A.
Protein change: p.Gly281Glu; replaces glycine 281 with glutamic acid.
Molecular consequence: missense variant. On other transcripts: non-coding transcript variant (3).
Genome position (GRCh38, 1-based): chr1:45,014,803, G>A. VCF-style: chr1-45014803-G-A. GRCh37 (hg19) VCF-style: chr1-45480475-G-A.
Other names: short protein forms G281E.
Identifiers: ClinVar variation 66 (VCV000000066.6), dbSNP rs121918057, ClinGen allele CA129629.